The following is an entry in ClinVar:

ClinVar aggregate classification (germline): Uncertain significance (1 of 4 stars; one submission).

Conditions:
Retinitis pigmentosa 55 (RP55). Identifiers: Orphanet 791, MedGen C3150808, MONDO:0013312, OMIM 613575.
Bardet-Biedl syndrome 3 (BBS3). Identifiers: Orphanet 110, MedGen C1859564, MONDO:0010832, OMIM 600151.

Allele frequency attached by ClinVar (database versions not stated): gnomAD exomes 0.00001.

Submission:

Labcorp Genetics (formerly Invitae), Labcorp
Classification: Uncertain significance for Retinitis pigmentosa 55; Bardet-Biedl syndrome 3. Last evaluated: 2024-01-09. Review status: criteria provided, single submitter. Criteria: Invitae Variant Classification Sherloc (09022015). Collection method: clinical testing. Allele origin: germline.
Comment: This sequence change replaces glycine, which is neutral and non-polar, with glutamic acid, which is acidic and polar, at codon 24 of the ARL6 protein (p.Gly24Glu). This variant is not present in population databases (gnomAD no frequency). This missense change has been observed in individual(s) with clinical features of ARL6-related conditions (Invitae). ClinVar contains an entry for this variant (Variation ID: 1478404). An algorithm developed to predict the effect of missense changes on protein structure and function (PolyPhen-2) suggests that this variant is likely to be disruptive. In summary, the available evidence is currently insufficient to determine the role of this variant in disease. Therefore, it has been classified as a Variant of Uncertain Significance.

NM_001278293.3(ARL6):c.71G>A (p.Gly24Glu)

Gene: ARL6 (ARF like GTPase 6; plus strand). Cytogenetic location: 3q11.2.
Variant type: single nucleotide variant.
Coding change: c.71G>A on transcript NM_001278293.3 (MANE Select); coding-DNA position 71, G replaced by A.
Protein change: p.Gly24Glu; replaces glycine 24 with glutamic acid.
Molecular consequence: missense variant. On other transcripts: non-coding transcript variant (7).
Genome position (GRCh38, 1-based): chr3:97,768,178, G>A. VCF-style: chr3-97768178-G-A. GRCh37 (hg19) VCF-style: chr3-97487022-G-A.
Other names: c.71G>A, p.Gly24Glu (NM_001323513.2, NM_001323514.2, NM_032146.5 and 1 more transcripts); short protein forms G24E.
Identifiers: ClinVar variation 1478404 (VCV001478404.6), dbSNP rs1282560467, ClinGen allele CA353582432.